The following is an entry in ClinVar:

ClinVar aggregate classification (germline): Uncertain significance (1 of 4 stars; one submission).

Conditions:
Familial cold autoinflammatory syndrome 2 (FCAS2). Identifiers: Orphanet 247868, MedGen C2673198, MONDO:0012724, OMIM 611762.

Allele frequency attached by ClinVar (database versions not stated): gnomAD exomes below 0.00001 and 0.00001; TOPMed below 0.00001.
gnomAD v4.1: 4 of 1,614,022 alleles (0.00025%); highest among the groups gnomAD compares: Admixed American, 0.0033%; no homozygotes.

Submission:

Labcorp Genetics (formerly Invitae), Labcorp
Classification: Uncertain significance for Familial cold autoinflammatory syndrome 2. Last evaluated: 2022-07-19. Review status: criteria provided, single submitter. Criteria: Invitae Variant Classification Sherloc (09022015). Collection method: clinical testing. Allele origin: germline.
Comment: ClinVar contains an entry for this variant (Variation ID: 662273). In summary, the available evidence is currently insufficient to determine the role of this variant in disease. Therefore, it has been classified as a Variant of Uncertain Significance. Algorithms developed to predict the effect of missense changes on protein structure and function are either unavailable or do not agree on the potential impact of this missense change (SIFT: "Deleterious"; PolyPhen-2: "Probably Damaging"; Align-GVGD: "Class C0"). This variant has not been reported in the literature in individuals affected with NLRP12-related conditions. This variant is present in population databases (no rsID available, gnomAD 0.006%). This sequence change replaces leucine, which is neutral and non-polar, with phenylalanine, which is neutral and non-polar, at codon 1050 of the NLRP12 protein (p.Leu1050Phe).

NM_144687.4(NLRP12):c.3148C>T (p.Leu1050Phe)

Gene: NLRP12 (NLR family pyrin domain containing 12; minus strand). Cytogenetic location: 19q13.42.
Variant type: single nucleotide variant.
Coding change: c.3148C>T on transcript NM_144687.4 (MANE Select); coding-DNA position 3148, C replaced by T.
Protein change: p.Leu1050Phe; replaces leucine 1050 with phenylalanine.
Molecular consequence: missense variant.
Genome position (GRCh38, 1-based): chr19:53,794,087, G>A on the plus strand (C>T on the coding strand, the complement: NLRP12 is on the minus strand). VCF-style: chr19-53794087-G-A. GRCh37 (hg19) VCF-style: chr19-54297341-G-A.
Other names: c.3151C>T, p.Leu1051Phe (NM_001277126.2); c.2977C>T, p.Leu993Phe (NM_001277129.1); short protein forms L1051F, L1050F, L993F.
Identifiers: ClinVar variation 662273 (VCV000662273.8), dbSNP rs1293965801, ClinGen allele CA407407210.